The following is an entry in ClinVar:

ClinVar aggregate classification (germline): Uncertain significance (1 of 4 stars; one submission).

Allele frequency attached by ClinVar (database versions not stated): TOPMed below 0.00001; ExAC 0.00001; gnomAD 0.00001.
gnomAD v4.1: 3 of 1,608,622 alleles (0.00019%); highest among the groups gnomAD compares: Non-Finnish European, 0.00025%; no homozygotes.

Submission:

Labcorp Genetics (formerly Invitae), Labcorp
Classification: Uncertain significance. Last evaluated: 2022-05-20. Review status: criteria provided, single submitter. Criteria: Invitae Variant Classification Sherloc (09022015). Collection method: clinical testing. Allele origin: germline.
Comment: In summary, the available evidence is currently insufficient to determine the role of this variant in disease. Therefore, it has been classified as a Variant of Uncertain Significance. Algorithms developed to predict the effect of missense changes on protein structure and function (SIFT, PolyPhen-2, Align-GVGD) all suggest that this variant is likely to be tolerated. This variant has not been reported in the literature in individuals affected with EXOSC9-related conditions. This variant is present in population databases (rs752875392, gnomAD 0.0009%). This sequence change replaces lysine, which is basic and polar, with arginine, which is basic and polar, at codon 281 of the EXOSC9 protein (p.Lys281Arg).

NM_005033.3(EXOSC9):c.842A>G (p.Lys281Arg)

Gene: EXOSC9 (exosome component 9; plus strand). Cytogenetic location: 4q27.
Variant type: single nucleotide variant.
Coding change: c.842A>G on transcript NM_005033.3 (MANE Select); coding-DNA position 842, A replaced by G.
Protein change: p.Lys281Arg; replaces lysine 281 with arginine.
Molecular consequence: missense variant.
Genome position (GRCh38, 1-based): chr4:121,813,248, A>G. VCF-style: chr4-121813248-A-G. GRCh37 (hg19) VCF-style: chr4-122734403-A-G.
Other names: c.842A>G, p.Lys281Arg (NM_001034194.2); short protein forms K281R.
Identifiers: ClinVar variation 1942659 (VCV001942659.3), dbSNP rs752875392, ClinGen allele CA3063559.
Genomic context (GRCh38, chr4:121,813,248, plus strand): 5'-TACCTTCCTCCCCCTTCCTTCCCACCAAAAAAACCCCCACATACAGGAAAGAAGGTGGAA[A>G]GTTTGGTTTTGCAGAGTCTATAGCAAATCAAAGGATCACAGCATTTAAAATGGAAAAGGC-3'
Protein context (NP_005024.2, residues 271-291): NDQKVRKEGG[Lys281Arg]FGFAESIANQ